The following is an entry in ClinVar:

NM_002709.3(PPP1CB):c.338A>G (p.Tyr113Cys)

Gene: PPP1CB (protein phosphatase 1 catalytic subunit beta; plus strand). Cytogenetic location: 2p23.2.
Variant type: single nucleotide variant.
Coding change: c.338A>G on transcript NM_002709.3 (MANE Select); coding-DNA position 338, A replaced by G.
Protein change: p.Tyr113Cys; replaces tyrosine 113 with cysteine.
Molecular consequence: missense variant.
Genome position (GRCh38, 1-based): chr2:28,778,962, A>G. VCF-style: chr2-28778962-A-G. GRCh37 (hg19) VCF-style: chr2-29001828-A-G.
Other names: c.338A>G, p.Tyr113Cys (NM_206876.2); short protein forms Y113C.
Identifiers: ClinVar variation 4744086 (VCV004744086.1).

ClinVar aggregate classification (germline): Uncertain significance (1 of 4 stars; one submission).

Submission:

Labcorp Genetics (formerly Invitae), Labcorp
Classification: Uncertain significance. Last evaluated: 2025-08-05. Review status: criteria provided, single submitter. Criteria: Invitae Variant Classification Sherloc (09022015). Collection method: clinical testing. Allele origin: germline.
Comment: This sequence change replaces tyrosine, which is neutral and polar, with cysteine, which is neutral and slightly polar, at codon 113 of the PPP1CB protein (p.Tyr113Cys). This variant is not present in population databases (gnomAD no frequency). This variant has not been reported in the literature in individuals affected with PPP1CB-related conditions. Invitae Evidence Modeling of protein sequence and biophysical properties (such as structural, functional, and spatial information, amino acid conservation, physicochemical variation, residue mobility, and thermodynamic stability) indicates that this missense variant is expected to disrupt PPP1CB protein function with a positive predictive value of 80%. In summary, the available evidence is currently insufficient to determine the role of this variant in disease. Therefore, it has been classified as a Variant of Uncertain Significance.